The following is an entry in ClinVar:

NM_000020.3(ACVRL1):c.514dup (p.Ser172fs)

Gene: ACVRL1 (activin A receptor like type 1; plus strand). Cytogenetic location: 12q13.13.
Variant type: Duplication.
Coding change: c.514dup on transcript NM_000020.3 (MANE Select); coding-DNA position 514, one base duplicated (A; older notation c.514dupA).
Protein change: p.Ser172fs; shifts the reading frame from serine 172.
Molecular consequence: frameshift variant.
Genome position (GRCh38, 1-based): chr12:51,913,759, A duplicated. VCF-style (leftmost placement, unchanged base first): chr12-51913758-C-CA. GRCh37 (hg19) VCF-style: chr12-52307542-C-CA.
Other names: c.514dup, p.Ser172fs (NM_001077401.2); short protein forms S172fs.
Identifiers: ClinVar variation 950598 (VCV000950598.7), dbSNP rs1940757414, ClinGen allele CA1139662698.

ClinVar aggregate classification (germline): Pathogenic (1 of 4 stars; one submission).

Conditions:
Telangiectasia, hereditary hemorrhagic, type 2 (HHT2). Also called: ACVRL1-Related Hereditary Hemorrhagic Telangiectasia; Telangiectasia, hereditary hemorrhagic, type II. Identifiers: Orphanet 774, MedGen C1838163, MONDO:0010880, OMIM 600376. Disease mechanism: loss of function.

Submission:

Labcorp Genetics (formerly Invitae), Labcorp
Classification: Pathogenic for Telangiectasia, hereditary hemorrhagic, type 2. Last evaluated: 2024-12-27. Review status: criteria provided, single submitter. Criteria: Invitae Variant Classification Sherloc (09022015). Collection method: clinical testing. Allele origin: germline.
Comment: This sequence change creates a premature translational stop signal (p.Ser172Lysfs*10) in the ACVRL1 gene. It is expected to result in an absent or disrupted protein product. Loss-of-function variants in ACVRL1 are known to be pathogenic (PMID: 15879500). This variant is not present in population databases (gnomAD no frequency). This variant has not been reported in the literature in individuals affected with ACVRL1-related conditions. ClinVar contains an entry for this variant (Variation ID: 950598). For these reasons, this variant has been classified as Pathogenic.

Literature cited by the submitters: PubMed 15879500.